The following is an entry in ClinVar:

NM_000057.4(BLM):c.826del (p.Glu276fs)

Gene: BLM (BLM RecQ like helicase; plus strand). Cytogenetic location: 15q26.1.
Variant type: Deletion.
Coding change: c.826del on transcript NM_000057.4 (MANE Select); coding-DNA position 826, one base deleted (G; older notation c.826delG).
Protein change: p.Glu276fs; shifts the reading frame from glutamic acid 276.
Molecular consequence: frameshift variant. On other transcripts: 5 prime UTR variant (1).
Genome position (GRCh38, 1-based): chr15:90,751,813, G deleted; the last of 2 consecutive G bases (chr15:90,751,812-90,751,813); deleting either gives the same sequence. VCF-style (leftmost placement, unchanged base first): chr15-90751811-TG-T. GRCh37 (hg19) VCF-style: chr15-91295041-TG-T.
Other names: c.826del, p.Glu276fs (NM_001287246.2, NM_001287247.2); c.-466del (NM_001287248.2); short protein forms E276fs.
Identifiers: ClinVar variation 1075675 (VCV001075675.8), dbSNP rs2151149553, ClinGen allele CA2499223149.
Genomic context (GRCh38, chr15:90,751,811, plus strand): 5'-TTAACAAATCTATGTTTATCAACTGTTTTACTGTAGATAATAGCGAAAAGAAGAAGAATT[TG>T]GAAGAAGCTGAATTACATTCAACTGAGAAAGTTCCATGTATTGAATTTGATGATGATGAT-3'

ClinVar aggregate classification (germline): Pathogenic (1 of 4 stars; one submission).

Conditions:
Bloom syndrome (BLM). Also called: Bloom-Torre-Machacek syndrome. Identifiers: Orphanet 125, MedGen C0005859, MONDO:0008876, OMIM 210900.

Submission:

Labcorp Genetics (formerly Invitae), Labcorp
Classification: Pathogenic for Bloom syndrome. Last evaluated: 2020-02-03. Review status: criteria provided, single submitter. Criteria: Invitae Variant Classification Sherloc (09022015). Collection method: clinical testing. Allele origin: germline.
Comment: For these reasons, this variant has been classified as Pathogenic. Loss-of-function variants in BLM are known to be pathogenic (PMID: 17407155). This variant has not been reported in the literature in individuals with BLM-related conditions. This variant is not present in population databases (ExAC no frequency). This sequence change creates a premature translational stop signal (p.Glu276Lysfs*47) in the BLM gene. It is expected to result in an absent or disrupted protein product.

Literature cited by the submitters: PubMed 17407155.